The following is an entry in ClinVar:

ClinVar aggregate classification (germline): Pathogenic (1 of 4 stars; one submission).

Allele frequency attached by ClinVar (database versions not stated): gnomAD exomes below 0.00001.
gnomAD v4.1: 3 of 1,613,934 alleles (0.00019%); highest among the groups gnomAD compares: Admixed American, 0.0033%; no homozygotes.

Submission:

Labcorp Genetics (formerly Invitae), Labcorp
Classification: Pathogenic. Last evaluated: 2023-03-21. Review status: criteria provided, single submitter. Criteria: Invitae Variant Classification Sherloc (09022015). Collection method: clinical testing. Allele origin: germline.
Comment: For these reasons, this variant has been classified as Pathogenic. This variant has not been reported in the literature in individuals affected with CAD-related conditions. This sequence change creates a premature translational stop signal (p.Arg1463*) in the CAD gene. It is expected to result in an absent or disrupted protein product. Loss-of-function variants in CAD are known to be pathogenic (PMID: 28007989, 32117025, 32820246, 33497533). This variant is not present in population databases (gnomAD no frequency).

Literature cited by the submitters: PubMed 28007989; PubMed 32117025; PubMed 32820246; PubMed 33497533.

NM_004341.5(CAD):c.4387C>T (p.Arg1463Ter)

Gene: CAD (carbamoyl-phosphate synthetase 2, aspartate transcarbamylase, and dihydroorotase; plus strand). Cytogenetic location: 2p23.3.
Variant type: single nucleotide variant.
Coding change: c.4387C>T on transcript NM_004341.5 (MANE Select); coding-DNA position 4387, C replaced by T.
Protein change: p.Arg1463Ter; replaces arginine 1463 with a stop codon.
Molecular consequence: nonsense.
Genome position (GRCh38, 1-based): chr2:27,236,821, C>T. VCF-style: chr2-27236821-C-T. GRCh37 (hg19) VCF-style: chr2-27459689-C-T.
Other names: c.4198C>T, p.Arg1400Ter (NM_001306079.2); short protein forms R1400*, R1463*.
Identifiers: ClinVar variation 2871571 (VCV002871571.3), dbSNP rs2465343198, ClinGen allele CA346219531.